The following is an entry in ClinVar:

NM_001378964.1(CDON):c.*278T>C

Gene: CDON (cell adhesion associated, oncogene regulated; minus strand). Cytogenetic location: 11q24.2.
Variant type: single nucleotide variant.
Coding change: c.*278T>C on transcript NM_001378964.1 (MANE Select); 278 bases downstream of the stop codon, T replaced by C.
Molecular consequence: 3 prime UTR variant.
Genome position (GRCh38, 1-based): chr11:125,960,664, A>G on the plus strand (T>C on the coding strand, the complement: CDON is on the minus strand). VCF-style: chr11-125960664-A-G. GRCh37 (hg19) VCF-style: chr11-125830559-A-G.
Other names: c.*278T>C (NM_001243597.3, NM_016952.6).
Identifiers: ClinVar variation 303485 (VCV000303485.9), dbSNP rs73628538, ClinGen allele CA10637812.
Genomic context (GRCh38, chr11:125,960,664, plus strand): 5'-GCCAAGAGATGGGATCCTTTGCATGAGGAGCTCTTGCTGTCACTATAGCTGTTAGAAAAC[A>G]TGGAAGGACCCCTCTGCCCTCCAGGTGACTGAATACTATGCAAAACAAGGTTGTTTCCTA-3'

ClinVar aggregate classification (germline): Benign. Review status: criteria provided, multiple submitters, no conflicts (2 of 4 stars). 3 submissions from 3 submitters: Benign (3). Last evaluated 2018-11-27.

Conditions:
Holoprosencephaly 11 (HPE11). Identifiers: Orphanet 2162, MedGen C3280215, MONDO:0013642, OMIM 614226.

Allele frequency attached by ClinVar (database versions not stated): TOPMed 0.05340; gnomAD exomes 0.03683; gnomAD 0.05083 and 0.05323; 1000 Genomes Project 30x 0.04653; 1000 Genomes Project 0.04253.
gnomAD v4.1: 18,407 of 439,518 alleles (4.2%); highest among the groups gnomAD compares: African/African-American, 8%; 516 homozygotes.

Submissions (3):

GeneDx
Classification: Benign. Last evaluated: 2018-11-27. Review status: criteria provided, single submitter. Criteria: GeneDx Variant Classification Process June 2021. Collection method: clinical testing. Allele origin: germline. Affected: yes.

Illumina Laboratory Services, Illumina
Classification: Benign for Holoprosencephaly 11. Last evaluated: 2018-01-13. Review status: criteria provided, single submitter. Criteria: ICSL Variant Classification Criteria 13 December 2019. Collection method: clinical testing. Allele origin: germline.
Comment: This variant was observed in the ICSL laboratory as part of a predisposition screen in an ostensibly healthy population. It had not been previously curated by ICSL or reported in the Human Gene Mutation Database (HGMD: prior to June 1st, 2018), and was therefore a candidate for classification through an automated scoring system. Utilizing variant allele frequency, disease prevalence and penetrance estimates, and inheritance mode, an automated score was calculated to assess if this variant is too frequent to cause the disease. Based on the score and internal cut-off values, a variant classified as benign is not then subjected to further curation. The score for this variant resulted in a classification of benign for this disease.

Breakthrough Genomics
Classification: Benign. Review status: criteria provided, single submitter. Criteria: ACMG Guidelines, 2015. Collection method: not provided. Allele origin: germline. Inheritance: Autosomal dominant inheritance. Affected: yes.